The following is an entry in ClinVar:

NC_000001.10:g.(?_21880585)_(21884063_?)del

Gene: ALPL (alkaline phosphatase, biomineralization associated; plus strand). Cytogenetic location: 1p36.12.
Variant type: Deletion.
Identifiers: ClinVar variation 1498148 (VCV001498148.4).

ClinVar aggregate classification (germline): Likely pathogenic (1 of 4 stars; one submission).

Submission:

Labcorp Genetics (formerly Invitae), Labcorp
Classification: Likely pathogenic. Last evaluated: 2021-05-04. Review status: criteria provided, single submitter. Criteria: Invitae Variant Classification Sherloc (09022015). Collection method: clinical testing. Allele origin: germline.
Comment: This variant has not been reported in the literature in individuals with ALPL-related conditions. This variant results in the deletion of part of exon 2 (c.11_62-3056delinsGTTCAAACG) of the ALPL gene. It is expected to disrupt RNA splicing. Variants that disrupt the donor or acceptor splice site typically lead to a loss of protein function (PMID: 16199547), and loss-of-function variants in ALPL are known to be pathogenic (PMID: 3174660, 10679946, 19500388). This variant disrupts a region of the protein in which other variant(s) (p.Ile10Thr) have been observed in individuals with ALPL-related conditions (PMID: 29724887). This suggests that this may be a clinically significant region of the ALPL protein. In summary, the currently available evidence indicates that the variant is pathogenic, but additional data are needed to prove that conclusively. Therefore, this variant has been classified as Likely Pathogenic.

Literature cited by the submitters: PubMed 16199547; PubMed 3174660; PubMed 10679946; PubMed 19500388; PubMed 29724887.